The following is an entry in ClinVar:

ClinVar aggregate classification (germline): Conflicting classifications of pathogenicity. Review status: criteria provided, conflicting classifications (1 of 4 stars). 4 submissions from 4 submitters: Uncertain significance (3); Likely benign (1). Last evaluated 2025-11-03.

Conditions:
Acroosteolysis-keloid-like lesions-premature aging syndrome. Also called: Progeroid syndrome, Penttinen type; Premature aging syndrome, Penttinen type; Prematurely aged appearance, delayed bone maturation, acro-osteolysis, and brachydactyly. Identifiers: Orphanet 363665, MedGen C1866182, MONDO:0011150, OMIM 601812.
Infantile myofibromatosis (IMF). Also called: Congenital generalized fibromatosis. Identifiers: Orphanet 2591, MedGen C0432284, MONDO:0016824.
Skeletal overgrowth-craniofacial dysmorphism-hyperelastic skin-white matter lesions syndrome. Also called: SKELETAL OVERGROWTH WITH FACIAL DYSMORPHISM, HYPERELASTIC SKIN, WHITE MATTER LESIONS, AND NEUROLOGIC DETERIORATION; Kosaki overgrowth syndrome. Identifiers: Orphanet 477831, MedGen C4225270, MONDO:0014704, OMIM 616592.
Basal ganglia calcification, idiopathic, 4 (PFBC4). Also called: Familial Idiopathic Basal Ganglia Calcification 4; PRIMARY FAMILIAL BRAIN CALCIFICATION 4, AUTOSOMAL DOMINANT. Identifiers: Orphanet 1980, MedGen C3554321, MONDO:0014004, OMIM 615007.
Inborn genetic diseases. Identifiers: MedGen C0950123, MeSH D030342.

Allele frequency attached by ClinVar (database versions not stated): ESP Exome Variant Server 0.00008; gnomAD 0.00006 and 0.00007; TOPMed 0.00009.
gnomAD v4.1: 112 of 1,601,990 alleles (0.007%); highest among the groups gnomAD compares: Non-Finnish European, 0.0084%; no homozygotes.

Submissions (4):

Labcorp Genetics (formerly Invitae), Labcorp
Classification: Uncertain significance for Basal ganglia calcification, idiopathic, 4; Skeletal overgrowth-craniofacial dysmorphism-hyperelastic skin-white matter lesions syndrome; Infantile myofibromatosis; Acroosteolysis-keloid-like lesions-premature aging syndrome. Last evaluated: 2025-11-03. Review status: criteria provided, single submitter. Criteria: Invitae Variant Classification Sherloc (09022015). Collection method: clinical testing. Allele origin: germline.
Comment: This sequence change replaces threonine, which is neutral and polar, with isoleucine, which is neutral and non-polar, at codon 902 of the PDGFRB protein (p.Thr902Ile). This variant is present in population databases (rs200865355, gnomAD 0.01%), and has an allele count higher than expected for a pathogenic variant. This variant has not been reported in the literature in individuals affected with PDGFRB-related conditions. ClinVar contains an entry for this variant (Variation ID: 423309). Invitae Evidence Modeling of protein sequence and biophysical properties (such as structural, functional, and spatial information, amino acid conservation, physicochemical variation, residue mobility, and thermodynamic stability) has been performed for this missense variant. However, the output from this modeling did not meet the statistical confidence thresholds required to predict the impact of this variant on PDGFRB protein function. In summary, the available evidence is currently insufficient to determine the role of this variant in disease. Therefore, it has been classified as a Variant of Uncertain Significance.

Ambry Genetics
Classification: Likely benign for Inborn genetic diseases. Last evaluated: 2021-09-21. Review status: criteria provided, single submitter. Criteria: Ambry Variant Classification Scheme 2023. Collection method: clinical testing. Allele origin: germline.

GeneDx
Classification: Uncertain significance. Last evaluated: 2017-02-10. Review status: criteria provided, single submitter. Criteria: GeneDx Variant Classification (06012015). Collection method: clinical testing. Allele origin: germline. Affected: yes.
Comment: The T902I variant in the PDGFRB gene has not been reported previously as a pathogenic variant, nor as a benign variant, to our knowledge. The T902I variant is not observed at a significant frequency in large population cohorts (Lek et al., 2016; 1000 Genomes Consortium et al., 2015; Exome Variant Server). The T902I variant is a non-conservative amino acid substitution, which is likely to impact secondary protein structure as these residues differ in polarity, charge, size and/or other properties. This substitution occurs at a position that is conserved across species. In silico analysis predicts this variant is probably damaging to the protein structure/function. We interpret T902I as a variant of uncertain significance.

Breakthrough Genomics
Classification: Uncertain significance. Review status: criteria provided, single submitter. Criteria: ACMG Guidelines, 2015. Collection method: not provided. Allele origin: germline. Inheritance: Autosomal dominant inheritance. Affected: yes.

NM_002609.4(PDGFRB):c.2705C>T (p.Thr902Ile)

Gene: PDGFRB (platelet derived growth factor receptor beta; minus strand). Cytogenetic location: 5q32.
Variant type: single nucleotide variant.
Coding change: c.2705C>T on transcript NM_002609.4 (MANE Select); coding-DNA position 2705, C replaced by T.
Protein change: p.Thr902Ile; replaces threonine 902 with isoleucine.
Molecular consequence: missense variant.
Genome position (GRCh38, 1-based): chr5:150,119,560, G>A on the plus strand (C>T on the coding strand, the complement: PDGFRB is on the minus strand). VCF-style: chr5-150119560-G-A. GRCh37 (hg19) VCF-style: chr5-149499123-G-A.
Other names: c.2513C>T, p.Thr838Ile (NM_001355016.2); c.2222C>T, p.Thr741Ile (NM_001355017.2); short protein forms T902I, T741I, T838I.
Identifiers: ClinVar variation 423309 (VCV000423309.9), dbSNP rs200865355, ClinGen allele CA3507541.
Genomic context (GRCh38, chr5:150,119,560, plus strand): 5'-CGGTAACCCCGTTTGATGGCATTGTAGAACTGCTCGTTCATGGGCAGCTCTGGGTAAGGG[G>A]TGCCACCTGTTGGGGAGCAGAGACAAGAGATACACAGGCTCAGGGGTGGAAAAGTGGCAG-3'
Protein context (NP_002600.1, residues 892-912): LLWEIFTLGG[Thr902Ile]PYPELPMNEQ